The following is an entry in ClinVar:

NM_007035.4(KERA):c.835C>T (p.Arg279Ter)

Gene: KERA (keratocan; minus strand). Cytogenetic location: 12q21.33.
Variant type: single nucleotide variant.
Coding change: c.835C>T on transcript NM_007035.4 (MANE Select); coding-DNA position 835, C replaced by T.
Protein change: p.Arg279Ter; replaces arginine 279 with a stop codon.
Molecular consequence: nonsense.
Genome position (GRCh38, 1-based): chr12:91,055,447, G>A on the plus strand (C>T on the coding strand, the complement: KERA is on the minus strand). VCF-style: chr12-91055447-G-A. GRCh37 (hg19) VCF-style: chr12-91449224-G-A.
Other names: short protein forms R279*.
Identifiers: ClinVar variation 56550 (VCV000056550.14), dbSNP rs386833986, ClinGen allele CA144359.

ClinVar aggregate classification (germline): Pathogenic. Review status: criteria provided, multiple submitters, no conflicts (2 of 4 stars). 5 submissions from 5 submitters: Pathogenic (3). 2 of the submissions do not count toward it. Last evaluated 2025-05-19.

Conditions:
Cornea plana 2 (CNA2). Also called: CORNEA PLANA 2, AUTOSOMAL RECESSIVE. Identifiers: Orphanet 53691, MedGen C1857574, MONDO:0009014, OMIM 217300.

Allele frequency attached by ClinVar (database versions not stated): gnomAD 0.00004; gnomAD exomes 0.00001 and 0.00002; TOPMed 0.00002.
gnomAD v4.1: 34 of 1,609,986 alleles (0.0021%); highest among the groups gnomAD compares: East Asian, 0.0045%; no homozygotes.

Submissions (5):

GeneDx
Classification: Pathogenic. Last evaluated: 2025-05-19. Review status: criteria provided, single submitter. Criteria: GeneDx Variant Classification Process June 2021. Collection method: clinical testing. Allele origin: germline. Affected: yes.
Comment: Nonsense variant predicted to result in protein truncation, as the last 74 amino acid(s) are lost, and other loss-of-function variants have been reported downstream in HGMD; This variant is associated with the following publications: (PMID: 31589614, 23834557, 31980526, 32371413, 28677912, 16234475, 33860400, 18566299)

Labcorp Genetics (formerly Invitae), Labcorp
Classification: Pathogenic. Last evaluated: 2022-12-22. Review status: criteria provided, single submitter. Criteria: Invitae Variant Classification Sherloc (09022015). Collection method: clinical testing. Allele origin: germline.
Comment: This sequence change creates a premature translational stop signal (p.Arg279*) in the KERA gene. It is expected to result in an absent or disrupted protein product. Loss-of-function variants in KERA are known to be pathogenic (PMID: 10802664, 16234475, 31059048). This variant is present in population databases (rs386833986, gnomAD 0.01%). This premature translational stop signal has been observed in individuals with cornea plana (PMID: 16234475, 23834557). ClinVar contains an entry for this variant (Variation ID: 56550). For these reasons, this variant has been classified as Pathogenic.

Institute for Genomic Medicine (IGM) Clinical Laboratory, Nationwide Children's Hospital
Classification: Pathogenic for Cornea plana 2. Last evaluated: 2018-11-26. Review status: criteria provided, single submitter. Criteria: ACMG Guidelines, 2015. Collection method: clinical testing. Allele origin: germline. Affected: yes.
Comment: [ACMG/AMP: PVS1, PM2, PS4_Moderate, PP1] This alteration is a null variant in a gene where LOF is a known mechanism of disease [PVS1], is absent from or rarely observed in large-scale population databases [PM2], has previously been observed in multiple unrelated patients with the same phenotype [PS4_Moderate], has been shown to cosegregate with disease in multiple affected family members [PP1].

OMIM
Classification: Pathogenic for CORNEA PLANA 2. Last evaluated: 2016-04-21. Review status: no assertion criteria provided. Collection method: literature only. Allele origin: germline. Not counted in ClinVar's aggregate classification.

Juha Muilu Group; Institute for Molecular Medicine Finland (FIMM)
Classification: Likely pathogenic for Cornea plana 2. Review status: no assertion criteria provided. Collection method: not provided. Allele origin: unknown. Not counted in ClinVar's aggregate classification.
Comment: FinDis database variant: This variant was not found or characterized by our laboratory, data were collected from public sources: see reference
ClinVar note: Converted during submission from probable-pathogenic to Likely pathogenic.

Literature cited by the submitters: PubMed 10802664 (cited by Labcorp Genetics (formerly Invitae), Labcorp); PubMed 16234475 (cited by Labcorp Genetics (formerly Invitae), Labcorp); PubMed 31059048 (cited by Labcorp Genetics (formerly Invitae), Labcorp); PubMed 23834557 (cited by Labcorp Genetics (formerly Invitae), Labcorp and OMIM).